The following is an entry in ClinVar:

ClinVar aggregate classification (germline): Pathogenic/Likely pathogenic. Review status: criteria provided, multiple submitters, no conflicts (2 of 4 stars). 8 submissions from 8 submitters: Pathogenic (5); Likely pathogenic (2). 1 of the submissions does not count toward it. Last evaluated 2026-01-21.

Conditions:
Infantile liver failure syndrome 2 (ILFS2). Identifiers: MedGen C3809651, MONDO:0014659, OMIM 616483.
Short stature-optic atrophy-Pelger-Huët anomaly syndrome. Also called: Short stature-optic atrophy-Pelger-HuC+t anomaly syndrome; Short stature, optic nerve atrophy, and Pelger-Huet anomaly. Identifiers: Orphanet 391677, MedGen C3541319, MONDO:0013889, OMIM 614800.
Acute infantile liver failure due to synthesis defect of mtDNA-encoded proteins. Also called: LIVER FAILURE, INFANTILE, TRANSIENT; TRMU Deficiency; Liver failure acute infantile. Identifiers: Orphanet 217371, MedGen C3278664, MONDO:0013111, OMIM 613070.

Allele frequency attached by ClinVar (database versions not stated): ExAC 0.00001; TOPMed 0.00001; gnomAD exomes below 0.00001.

Submissions (9):

3billion
Classification: Pathogenic for Short stature-optic atrophy-Pelger-Huët anomaly syndrome. Last evaluated: 2026-01-21. Review status: criteria provided, single submitter. Criteria: ACMG Guidelines, 2015. Collection method: clinical testing. Allele origin: germline. Affected: yes.
Comment: The variant is observed at an extremely low frequency in the gnomAD v4.1.0 dataset (total allele frequency: <0.001%). Predicted Consequence/Location: Synonymous variant Functional studies provide moderate evidence of the variant having a damaging effect on the gene or gene product (PMID: 30825388). In silico tools predict the variant to alter splicing and produce an abnormal transcript [SpliceAI: 0.50 (>=0.2, moderate evidence for spliceogenicity)]. The variant has been reported at least twice as pathogenic with clinical assertions and evidence for the classification (ClinVar ID: VCV000617879 /PMID: 30825388). Therefore, this variant is classified as Pathogenic according to the recommendation of ACMG/AMP guideline.

Labcorp Genetics (formerly Invitae), Labcorp
Classification: Pathogenic. Last evaluated: 2026-01-15. Review status: criteria provided, single submitter. Criteria: Invitae Variant Classification Sherloc (09022015). Collection method: clinical testing. Allele origin: germline.
Comment: This sequence change affects codon 2280 of the NBAS mRNA. It is a 'silent' change, meaning that it does not change the encoded amino acid sequence of the NBAS protein. RNA analysis indicates that this variant induces altered splicing and likely results in a shortened protein product. This variant is present in population databases (rs776597537, gnomAD 0.003%). This variant has been observed in individual(s) with clinical features of SOPH syndrome (PMID: 30825388). In at least one individual the data is consistent with being in trans (on the opposite chromosome) from a pathogenic variant. ClinVar contains an entry for this variant (Variation ID: 617879). Variants that disrupt the consensus splice site are a relatively common cause of aberrant splicing (PMID: 17576681, 9536098). Studies have shown that this variant results in skipping of exon 51, but is expected to preserve the integrity of the reading-frame (PMID: 30825388). For these reasons, this variant has been classified as Pathogenic.

Women's Health and Genetics/Laboratory Corporation of America, LabCorp
Classification: Pathogenic for Acute infantile liver failure due to synthesis defect of mtDNA-encoded proteins. Last evaluated: 2025-07-08. Review status: criteria provided, single submitter. Criteria: LabCorp Variant Classification Summary - May 2015. Collection method: clinical testing. Allele origin: germline.
Comment: Variant summary: NBAS c.6840G>A (p.Thr2280Thr) alters a conserved nucleotide located close to a canonical splice site and therefore could affect mRNA splicing, leading to a significantly altered protein sequence. Several computational tools predict a significant impact on normal splicing: Two predict the variant abolishes a canonical 5' splicing donor site and two predict the variant weakens this site.At least one publication reports experimental evidence that this variant affects mRNA splicing (Carli_2015). The variant allele was found at a frequency of 4e-06 in 251218 control chromosomes (gnomAD). c.6840G>A has been observed in individuals affected with NBAS-related disorders (e.g., Carli_2019, Vorsteveld_2024). These data indicate that the variant is likely to be associated with disease. The following publications have been ascertained in the context of this evaluation (PMID: 30825388, 39369972). ClinVar contains an entry for this variant (Variation ID: 617879). Based on the evidence outlined above, the variant was classified as pathogenic.

GeneDx
Classification: Pathogenic. Last evaluated: 2025-04-02. Review status: criteria provided, single submitter. Criteria: GeneDx Variant Classification Process June 2021. Collection method: clinical testing. Allele origin: germline. Affected: yes.
Comment: Published functional studies demonstrate a damaging effect as this variant leads to exon skipping (PMID: 30825388); Alters the last nucleotide of the exon and is predicted to damage the splice donor site; Not observed at significant frequency in large population cohorts (gnomAD); This variant is associated with the following publications: (PMID: 31589614, 30825388)

Victorian Clinical Genetics Services, Murdoch Childrens Research Institute
Classification: Pathogenic for Short stature-optic atrophy-Pelger-Huët anomaly syndrome. Last evaluated: 2022-02-02. Review status: criteria provided, single submitter. Criteria: ACMG Guidelines, 2015. Collection method: clinical testing. Allele origin: germline. Inheritance: Autosomal recessive inheritance. Affected: yes.
Comment: Based on the classification scheme VCGS_Germline_v1.3.4, this variant is classified as Pathogenic. Following criteria are met: 0102 - Loss of function is a known mechanism of disease in this gene and is associated with infantile liver failure syndrome 2 (MIM#616483) and short stature, optic nerve atrophy, and Pelger-Huet anomaly (MIM#614800). (I) 0106 - This gene is associated with autosomal recessive disease. (I) 0115 - Variants in this gene are known to have variable expressivity (PMID: 33042920). (I) 0210 - Splice site variant proven to affect splicing of the transcript with a known effect on protein sequence. This synonymous variant has been functionally proven by Sanger sequencing of patient cDNA, to result in inframe exon 51 skipping (PMID: 30825388). (SP) 0252 - This variant is homozygous. (I) 0304 - Variant is present in gnomAD (v2) <0.01 for a recessive condition (1 heterozygote, 0 homozygotes). (SP) 0604 - Variant does not affect an established domain, motif, hotspot or informative constraint region. (I) 0704 - Another synonymous variant comparable to the one identified in this case has limited previous evidence for pathogenicity. This alternative nucleotide change at the same position (c.6840G>T) has been reported in a homozygous individual with short stature, optic atrophy, elevated liver transaminases and syndactyly (PMID: 31761904). (SP) 0802 - This variant has moderate previous evidence of pathogenicity in unrelated individuals. This variant has been reported as pathogenic and likely pathogenic, and observed in at least two compound heterozygous individuals with short stature, hypogammaglobinemia, ocular involvement but no acute liver failure (PMID: 30825388, ClinVar, LOVD). (SP) 1007 - No published functional evidence has been identified for this variant. (I) 1208 - Inheritance information for this variant is not currently available in this individual. (I) Legend: (SP) - Supporting pathogenic, (I) - Information, (SB) - Supporting benign

Illumina Laboratory Services, Illumina
Classification: Likely pathogenic for Short stature-optic atrophy-Pelger-Huët anomaly syndrome. Last evaluated: 2021-12-03. Review status: criteria provided, single submitter. Criteria: ICSLVariantClassificationCriteria RUGD 01 April 2020. Collection method: clinical testing. Allele origin: unknown.
Comment: The NBAS c.6840G>A (p.Thr2280=) synonymous variant occurs in a splice region and results in substitution of guanine with adenine at position 6840. This variant has been reported in a compound heterozygous state in two individuals with short stature, optic nerve atrophy and Pelger-Huet anomaly (Carli et al. 2019). A different nucleotide change at the same amino acid position, c.6840G>T (p.Thr2280Thr), has been reported in a homozygous state in another individual with short stature, optic nerve atrophy and Pelger-Huet anomaly (Staufner et al. 2019). The c.6840G>A variant is reported in the Genome Aggregation Database in one allele at a frequency of 0.000033 in the South Asian population (version 2.1.1). Complementary DNA analysis showed that the c.6840G>A variant resulted in the skipping of exon 51 when compared to wild type (Carli et al. 2019). Based on the available evidence, the c.6840G>A (p.Thr2280Thr) variant is classified as likely pathogenic for short stature, optic nerve atrophy and Pelger-Huet anomaly.

Neuberg Centre For Genomic Medicine, NCGM
Classification: Likely pathogenic for Short stature-optic atrophy-Pelger-Huët anomaly syndrome. Review status: criteria provided, single submitter. Criteria: ACMG Guidelines, 2015. Collection method: clinical testing. Allele origin: germline. Inheritance: Autosomal recessive inheritance. Affected: yes.

Laboratory of Medical Genetics, University of Torino
Classification: Pathogenic for Infantile liver failure syndrome 2. Last evaluated: 2018-11-07. Review status: no assertion criteria provided. Collection method: clinical testing. Allele origin: inherited. Affected: yes. Observed: 2 variant alleles. Not counted in ClinVar's aggregate classification.

Dr. Peter K. Rogan Lab, Western University
No classification provided (evidence only). Condition: Thyroid cancer, nonmedullary, 1. Review status: no classification provided. Collection method: in vitro. Allele origin: not applicable. Functional consequence: skipped exon, retained intron. Not counted in ClinVar's aggregate classification.

Literature cited by the submitters: PubMed 30825388 (cited by 5 submitters); PubMed 17576681 (cited by Labcorp Genetics (formerly Invitae), Labcorp); PubMed 9536098 (cited by Labcorp Genetics (formerly Invitae), Labcorp); PubMed 39369972 (cited by Women's Health and Genetics/Laboratory Corporation of America, LabCorp); PubMed 31761904 (cited by Victorian Clinical Genetics Services, Murdoch Childrens Research Institute and Illumina Laboratory Services, Illumina); PubMed 33042920 (cited by Victorian Clinical Genetics Services, Murdoch Childrens Research Institute).

NM_015909.4(NBAS):c.6840G>A (p.Thr2280=)

Gene: NBAS (NBAS subunit of NRZ tethering complex; minus strand). Cytogenetic location: 2p24.3.
Variant type: single nucleotide variant.
Coding change: c.6840G>A on transcript NM_015909.4 (MANE Select); coding-DNA position 6840, G replaced by A.
Protein change: p.Thr2280=; no amino-acid change (threonine 2280 retained).
Molecular consequence: synonymous variant. On other transcripts: non-coding transcript variant (1).
Genome position (GRCh38, 1-based): chr2:15,178,988, C>T on the plus strand (G>A on the coding strand, the complement: NBAS is on the minus strand). VCF-style: chr2-15178988-C-T. GRCh37 (hg19) VCF-style: chr2-15319112-C-T.
Identifiers: ClinVar variation 617879 (VCV000617879.15), dbSNP rs776597537, ClinGen allele CA1534869.